The following is an entry in ClinVar:

NM_006080.3(SEMA3A):c.645G>A (p.Gln215=)

Gene: SEMA3A (semaphorin 3A; minus strand). Cytogenetic location: 7q21.11.
Variant type: single nucleotide variant.
Coding change: c.645G>A on transcript NM_006080.3 (MANE Select); coding-DNA position 645, G replaced by A.
Protein change: p.Gln215=; no amino-acid change (glutamine 215 retained).
Molecular consequence: synonymous variant.
Genome position (GRCh38, 1-based): chr7:84,046,346, C>T on the plus strand (G>A on the coding strand, the complement: SEMA3A is on the minus strand). VCF-style: chr7-84046346-C-T. GRCh37 (hg19) VCF-style: chr7-83675662-C-T.
Identifiers: ClinVar variation 714303 (VCV000714303.10), dbSNP rs201176123, ClinGen allele CA4322955.

ClinVar aggregate classification (germline): Likely benign. Review status: criteria provided, multiple submitters, no conflicts (2 of 4 stars). 3 submissions from 3 submitters: Likely benign (2). 1 of the submissions does not count toward it. Last evaluated 2025-02-10.

Conditions:
SEMA3A-related disorder. Also called: SEMA3A-related condition.

Allele frequency attached by ClinVar (database versions not stated): gnomAD exomes 0.00021 and 0.00018; ExAC 0.00026; gnomAD 0.00019 and 0.00021; TOPMed 0.00018.
gnomAD v4.1: 334 of 1,612,940 alleles (0.021%); highest among the groups gnomAD compares: Non-Finnish European, 0.026%; no homozygotes.

Submissions (3):

Women's Health and Genetics/Laboratory Corporation of America, LabCorp
Classification: Likely benign. Last evaluated: 2025-02-10. Review status: criteria provided, single submitter. Criteria: LabCorp Variant Classification Summary - May 2015. Collection method: clinical testing. Allele origin: germline.

Labcorp Genetics (formerly Invitae), Labcorp
Classification: Likely benign. Last evaluated: 2023-10-16. Review status: criteria provided, single submitter. Criteria: Invitae Variant Classification Sherloc (09022015). Collection method: clinical testing. Allele origin: germline.

PreventionGenetics, part of Exact Sciences
Classification: Likely benign for SEMA3A-related condition. Last evaluated: 2021-10-06. Review status: no assertion criteria provided. Collection method: clinical testing. Allele origin: germline. Not counted in ClinVar's aggregate classification.
Comment: This variant is classified as likely benign based on ACMG/AMP sequence variant interpretation guidelines (Richards et al. 2015 PMID: 25741868, with internal and published modifications).